The following is an entry in ClinVar:

NM_001377530.1(DMBT1):c.2413C>A (p.His805Asn)

Gene: DMBT1 (deleted in malignant brain tumors 1; plus strand). Cytogenetic location: 10q26.13.
Variant type: single nucleotide variant.
Coding change: c.2413C>A on transcript NM_001377530.1 (MANE Select); coding-DNA position 2413, C replaced by A.
Protein change: p.His805Asn; replaces histidine 805 with asparagine.
Molecular consequence: missense variant. On other transcripts: intron variant (1).
Genome position (GRCh38, 1-based): chr10:122,592,508, C>A. VCF-style: chr10-122592508-C-A. GRCh37 (hg19) VCF-style: chr10-124352024-C-A.
Other names: c.2413C>A, p.His805Asn (NM_001320644.2, NM_007329.3); c.2383C>A, p.His795Asn (NM_017579.3); c.1421-5466C>A (NM_004406.3); c.2413C>A (NM_007329.2); short protein forms H805N, H795N.
Identifiers: ClinVar variation 1512379 (VCV001512379.7), dbSNP rs565106021, ClinGen allele CA5727162.
Genomic context (GRCh38, chr10:122,592,508, plus strand): 5'-AATGCCCGGTTTGGCCAGGGCTCAGGACCCATTGTTCTGGATGATGTGCGCTGCTCAGGA[C>A]ACGAGTCCTACCTGTGGAGCTGCCCCCACAATGGCTGGCTCTCCCACAACTGTGGCCATC-3'
Protein context (NP_001364459.1, residues 795-815): IVLDDVRCSG[His805Asn]ESYLWSCPHN

ClinVar aggregate classification (germline): Uncertain significance. Review status: criteria provided, multiple submitters, no conflicts (2 of 4 stars). 2 submissions from 2 submitters: Uncertain significance (2). Last evaluated 2023-12-20.

gnomAD v4.1: 27 of 1,588,104 alleles (0.0017%); highest among the groups gnomAD compares: Non-Finnish European, 0.0022%; 1 homozygote.

Submissions (2):

Ambry Genetics
Classification: Uncertain significance. Last evaluated: 2023-12-20. Review status: criteria provided, single submitter. Criteria: Ambry Variant Classification Scheme 2023. Collection method: clinical testing. Allele origin: germline.

Labcorp Genetics (formerly Invitae), Labcorp
Classification: Uncertain significance. Last evaluated: 2021-02-15. Review status: criteria provided, single submitter. Criteria: Invitae Variant Classification Sherloc (09022015). Collection method: clinical testing. Allele origin: germline.
Comment: This sequence change replaces histidine with asparagine at codon 805 of the DMBT1 protein (p.His805Asn). The histidine residue is weakly conserved and there is a small physicochemical difference between histidine and asparagine. The frequency data for this variant in the population databases is considered unreliable, as metrics indicate poor data quality at this position in the ExAC database. This variant has not been reported in the literature in individuals with DMBT1-related conditions. Algorithms developed to predict the effect of missense changes on protein structure and function output the following: SIFT: "Deleterious"; PolyPhen-2: "Not Available"; Align-GVGD: "Class C0". The asparagine amino acid residue is found in multiple mammalian species, suggesting that this missense change does not adversely affect protein function. These predictions have not been confirmed by published functional studies and their clinical significance is uncertain. In summary, the available evidence is currently insufficient to determine the role of this variant in disease. Therefore, it has been classified as a Variant of Uncertain Significance.